The following is an entry in ClinVar:

ClinVar aggregate classification (germline): Uncertain significance (1 of 4 stars; one submission).

Allele frequency attached by ClinVar (database versions not stated): gnomAD exomes below 0.00001.
gnomAD v4.1: 1 of 1,612,446 alleles (0.000062%); highest among the groups gnomAD compares: Non-Finnish European, 0.000085%; no homozygotes.

Submission:

Labcorp Genetics (formerly Invitae), Labcorp
Classification: Uncertain significance. Last evaluated: 2023-05-23. Review status: criteria provided, single submitter. Criteria: Invitae Variant Classification Sherloc (09022015). Collection method: clinical testing. Allele origin: germline.
Comment: In summary, the available evidence is currently insufficient to determine the role of this variant in disease. Therefore, it has been classified as a Variant of Uncertain Significance. Advanced modeling of protein sequence and biophysical properties (such as structural, functional, and spatial information, amino acid conservation, physicochemical variation, residue mobility, and thermodynamic stability) performed at Invitae indicates that this missense variant is expected to disrupt CDH23 protein function. ClinVar contains an entry for this variant (Variation ID: 2079901). This sequence change replaces leucine, which is neutral and non-polar, with proline, which is neutral and non-polar, at codon 963 of the CDH23 protein (p.Leu963Pro). This variant is not present in population databases (gnomAD no frequency). This variant has not been reported in the literature in individuals affected with CDH23-related conditions.

NM_022124.6(CDH23):c.2888T>C (p.Leu963Pro)

Gene: CDH23 (cadherin related 23; plus strand). Cytogenetic location: 10q22.1.
Variant type: single nucleotide variant.
Coding change: c.2888T>C on transcript NM_022124.6 (MANE Select); coding-DNA position 2888, T replaced by C.
Protein change: p.Leu963Pro; replaces leucine 963 with proline.
Molecular consequence: missense variant.
Genome position (GRCh38, 1-based): chr10:71,705,065, T>C. VCF-style: chr10-71705065-T-C. GRCh37 (hg19) VCF-style: chr10-73464822-T-C.
Other names: c.2888T>C, p.Leu963Pro (NM_001171930.2, NM_001171931.2); short protein forms L963P.
Identifiers: ClinVar variation 2079901 (VCV002079901.4), dbSNP rs1589353494, ClinGen allele CA377139828.